The following is an entry in ClinVar:

ClinVar aggregate classification (germline): Uncertain significance (1 of 4 stars; one submission).

Conditions:
Microcephaly, normal intelligence and immunodeficiency (NBS). Also called: IMMUNODEFICIENCY, MICROCEPHALY, AND CHROMOSOMAL INSTABILITY; Immunodeficiency, microcephaly with normal intelligence; SEEMANOVA SYNDROME II; Ataxia telangiectasia variant V1; Microcephaly with normal intelligence immunodeficiency and lymphoreticular malignancies; Nonsyndromal microcephaly autosomal recessive with normal intelligence. Identifiers: Orphanet 647, MedGen C0398791, MONDO:0009623, OMIM 251260.

Allele frequency attached by ClinVar (database versions not stated): TOPMed below 0.00001.

Submission:

Labcorp Genetics (formerly Invitae), Labcorp
Classification: Uncertain significance for Microcephaly, normal intelligence and immunodeficiency. Last evaluated: 2024-11-11. Review status: criteria provided, single submitter. Criteria: Invitae Variant Classification Sherloc (09022015). Collection method: clinical testing. Allele origin: germline.
Comment: This sequence change replaces methionine, which is neutral and non-polar, with threonine, which is neutral and polar, at codon 389 of the NBN protein (p.Met389Thr). This variant is not present in population databases (gnomAD no frequency). This variant has not been reported in the literature in individuals affected with NBN-related conditions. ClinVar contains an entry for this variant (Variation ID: 1353842). An algorithm developed to predict the effect of missense changes on protein structure and function (PolyPhen-2) suggests that this variant is likely to be tolerated. In summary, the available evidence is currently insufficient to determine the role of this variant in disease. Therefore, it has been classified as a Variant of Uncertain Significance.

NM_002485.5(NBN):c.1166T>C (p.Met389Thr)

Gene: NBN (nibrin; minus strand). Cytogenetic location: 8q21.3.
Variant type: single nucleotide variant.
Coding change: c.1166T>C on transcript NM_002485.5 (MANE Select); coding-DNA position 1166, T replaced by C.
Protein change: p.Met389Thr; replaces methionine 389 with threonine.
Molecular consequence: missense variant.
Genome position (GRCh38, 1-based): chr8:89,955,514, A>G on the plus strand (T>C on the coding strand, the complement: NBN is on the minus strand). VCF-style: chr8-89955514-A-G. GRCh37 (hg19) VCF-style: chr8-90967742-A-G.
Other names: c.920T>C, p.Met307Thr (NM_001024688.3); short protein forms M389T, M307T.
Identifiers: ClinVar variation 1353842 (VCV001353842.6), dbSNP rs1810671504, ClinGen allele CA371656450.